The following is an entry in ClinVar:

NM_000368.5(TSC1):c.1256C>G (p.Pro419Arg)

Gene: TSC1 (TSC complex subunit 1; minus strand). Cytogenetic location: 9q34.13.
Variant type: single nucleotide variant.
Coding change: c.1256C>G on transcript NM_000368.5 (MANE Select); coding-DNA position 1256, C replaced by G.
Protein change: p.Pro419Arg; replaces proline 419 with arginine.
Molecular consequence: missense variant.
Genome position (GRCh38, 1-based): chr9:132,910,578, G>C on the plus strand (C>G on the coding strand, the complement: TSC1 is on the minus strand). VCF-style: chr9-132910578-G-C. GRCh37 (hg19) VCF-style: chr9-135785965-G-C.
Other names: c.1253C>G, p.Pro418Arg (NM_001162426.2); c.1103C>G, p.Pro368Arg (NM_001162427.2); c.893C>G, p.Pro298Arg (NM_001362177.2); short protein forms P419R, P298R, P368R, P418R.
Identifiers: ClinVar variation 534433 (VCV000534433.20), dbSNP rs878853959, ClinGen allele CA200893788.

ClinVar aggregate classification (germline): Conflicting classifications of pathogenicity. Review status: criteria provided, conflicting classifications (1 of 4 stars). 7 submissions from 7 submitters: Uncertain significance (4); Benign (2); Likely benign (1). Last evaluated 2026-01-13.

Conditions:
Hereditary cancer-predisposing syndrome. Also called: Neoplastic Syndromes, Hereditary; Hereditary neoplastic syndrome; Tumor predisposition; Hereditary Cancer Syndrome. Identifiers: Orphanet 140162, MedGen C0027672, MeSH D009386, MONDO:0015356.
Isolated focal cortical dysplasia type II (FCORD2). Also called: CORTICAL DYSPLASIA OF TAYLOR; Focal cortical dysplasia type II. Identifiers: Orphanet 268994, MedGen C1846385, MONDO:0011818, OMIM 607341, HP:0032051.
Tuberous sclerosis 1 (TSC1). Identifiers: Orphanet 805, MedGen C1854465, MONDO:0008612, OMIM 191100.
Tuberous sclerosis syndrome (TSC). Also called: Tuberous Sclerosis Complex; Tuberous sclerosis. Identifiers: Orphanet 805, MedGen C0041341, MONDO:0001734.

Allele frequency attached by ClinVar (database versions not stated): gnomAD 0.00002; TOPMed 0.00002.
gnomAD v4.1: 6 of 1,613,942 alleles (0.00037%); highest among the groups gnomAD compares: Non-Finnish European, 0.00051%; no homozygotes.

Submissions (7):

Labcorp Genetics (formerly Invitae), Labcorp
Classification: Benign for Tuberous sclerosis 1. Last evaluated: 2026-01-13. Review status: criteria provided, single submitter. Criteria: Invitae Variant Classification Sherloc (09022015). Collection method: clinical testing. Allele origin: germline.

Color Diagnostics, LLC DBA Color Health
Classification: Uncertain significance for Tuberous sclerosis syndrome. Last evaluated: 2025-07-21. Review status: criteria provided, single submitter. Criteria: ACMG Guidelines, 2015. Collection method: clinical testing. Allele origin: germline.
Comment: This missense variant replaces proline with arginine at codon 419 of the TSC1 protein. Computational prediction suggests that this variant may not impact protein structure and function. To our knowledge, functional studies have not been reported for this variant. This variant has not been reported in individuals affected with TSC1-related disorders in the literature. This variant has been identified in 1/251116 chromosomes in the general population by the Genome Aggregation Database (gnomAD). The available evidence is insufficient to determine the role of this variant in disease conclusively. Therefore, this variant is classified as a Variant of Uncertain Significance.

Ambry Genetics
Classification: Benign for Hereditary cancer-predisposing syndrome. Last evaluated: 2024-05-30. Review status: criteria provided, single submitter. Criteria: Ambry Variant Classification Scheme 2023. Collection method: clinical testing. Allele origin: germline.

Baylor Genetics
Classification: Uncertain significance for Isolated focal cortical dysplasia type II. Last evaluated: 2024-03-01. Review status: criteria provided, single submitter. Criteria: ACMG Guidelines, 2015. Collection method: clinical testing. Allele origin: unknown.

Sema4
Classification: Uncertain significance for Hereditary cancer-predisposing syndrome. Last evaluated: 2021-11-17. Review status: criteria provided, single submitter. Criteria: Sema4 Curation Guidelines. Collection method: curation. Allele origin: germline.
Comment: The TSC1 c.1256C>G (p.P419R) variant has not been reported in the literature to our knowledge. It was observed in 1/251116 chromosomes in the large and broad cohorts of the Genome Aggregation Database (PMID: 32461654). The variant has been reported in ClinVar (Variation ID 534433). Functional studies have not been performed, and in silico predictions of the variant's effect on protein function are inconclusive. The evidence is insufficient to meet ACMG/AMP criteria for classifying the variant as benign or pathogenic. Thus, the clinical significance of this variant is currently uncertain.

Genome-Nilou Lab
Classification: Likely benign for Tuberous sclerosis 1. Last evaluated: 2021-11-07. Review status: criteria provided, single submitter. Criteria: ACMG Guidelines, 2015. Collection method: clinical testing. Allele origin: germline. Affected: no.

GeneDx
Classification: Uncertain significance. Last evaluated: 2019-07-22. Review status: criteria provided, single submitter. Criteria: GeneDx Variant Classification Process June 2021. Collection method: clinical testing. Allele origin: germline. Affected: yes.
Comment: In silico analysis, which includes protein predictors and evolutionary conservation, supports that this variant does not alter protein structure/function; Has not been previously published as pathogenic or benign to our knowledge